The following is an entry in ClinVar:

NM_173630.4(RTTN):c.1601C>A (p.Ser534Tyr)

Gene: RTTN (rotatin; minus strand). Cytogenetic location: 18q22.2.
Variant type: single nucleotide variant.
Coding change: c.1601C>A on transcript NM_173630.4 (MANE Select); coding-DNA position 1601, C replaced by A.
Protein change: p.Ser534Tyr; replaces serine 534 with tyrosine.
Molecular consequence: missense variant. On other transcripts: 5 prime UTR variant (1).
Genome position (GRCh38, 1-based): chr18:70,168,943, G>T on the plus strand (C>A on the coding strand, the complement: RTTN is on the minus strand). VCF-style: chr18-70168943-G-T. GRCh37 (hg19) VCF-style: chr18-67836179-G-T.
Other names: c.-1047C>A (NM_001318520.2); short protein forms S534Y.
Identifiers: ClinVar variation 1959473 (VCV001959473.5), dbSNP rs1179640853, ClinGen allele CA402698022.
Genomic context (GRCh38, chr18:70,168,943, plus strand): 5'-CAGGTGCATTCAATTGAATAAACGGCCTCTGCAGTTCGTTTATAAATACTGTAGTTTTCA[G>T]AATTCAGCTGTTCCAAATAGGCCACAACAGCTTCATGAATATTTGGATATTCCAAAGAAA-3'
Protein context (NP_775901.3, residues 524-544): AVVAYLEQLN[Ser534Tyr]ENYSIYKRTA

ClinVar aggregate classification (germline): Uncertain significance (1 of 4 stars; one submission).

Allele frequency attached by ClinVar (database versions not stated): gnomAD exomes below 0.00001.
gnomAD v4.1: 2 of 1,613,216 alleles (0.00012%); highest among the groups gnomAD compares: Non-Finnish European, 0.000085%; no homozygotes.

Submission:

Labcorp Genetics (formerly Invitae), Labcorp
Classification: Uncertain significance. Last evaluated: 2022-08-22. Review status: criteria provided, single submitter. Criteria: Invitae Variant Classification Sherloc (09022015). Collection method: clinical testing. Allele origin: germline.
Comment: In summary, the available evidence is currently insufficient to determine the role of this variant in disease. Therefore, it has been classified as a Variant of Uncertain Significance. Algorithms developed to predict the effect of missense changes on protein structure and function are either unavailable or do not agree on the potential impact of this missense change (SIFT: "Deleterious"; PolyPhen-2: "Probably Damaging"; Align-GVGD: "Class C15"). This variant has not been reported in the literature in individuals affected with RTTN-related conditions. This variant is present in population databases (no rsID available, gnomAD no frequency). This sequence change replaces serine, which is neutral and polar, with tyrosine, which is neutral and polar, at codon 534 of the RTTN protein (p.Ser534Tyr).